The following is an entry in ClinVar:

ClinVar aggregate classification (germline): Uncertain significance (1 of 4 stars; one submission).

Submission:

GeneDx
Classification: Uncertain significance. Last evaluated: 2026-03-11. Review status: criteria provided, single submitter. Criteria: GeneDx Variant Classification Process June 2021. Collection method: clinical testing. Allele origin: germline.
Comment: Not observed at significant frequency in large population cohorts (gnomAD); In silico analysis supports that this missense variant has a deleterious effect on protein structure/function; Has not been previously published as pathogenic or benign to our knowledge

NM_000542.5(SFTPB):c.535C>G (p.Pro179Ala)

Gene: SFTPB (surfactant protein B; minus strand). Cytogenetic location: 2p11.2.
Variant type: single nucleotide variant.
Coding change: c.535C>G on transcript NM_000542.5 (MANE Select); coding-DNA position 535, C replaced by G.
Protein change: p.Pro179Ala; replaces proline 179 with alanine.
Molecular consequence: missense variant.
Genome position (GRCh38, 1-based): chr2:85,665,653, G>C on the plus strand (C>G on the coding strand, the complement: SFTPB is on the minus strand). VCF-style: chr2-85665653-G-C. GRCh37 (hg19) VCF-style: chr2-85892776-G-C.
Other names: c.535C>G, p.Pro179Ala (NM_001367281.2, NM_198843.4); short protein forms P179A.
Identifiers: ClinVar variation 5009032 (VCV005009032.1).
Genomic context (GRCh38, chr2:85,665,653, plus strand): 5'-GGGCCTCCCTCACCTGTGTGTGAGGCCCAGGCCTCGCCTGGAGGGCCCCGGGCAGCACAG[G>C]GAGGACGAGCTTGTCCAGCAGAGGGTCTGGCAGAGGGTCCCGCAGAGGTTTGGGCAGGGG-3'
Protein context (NP_000533.4, residues 169-189): PDPLLDKLVL[Pro179Ala]VLPGALQARP